The following is an entry in ClinVar:

NM_031885.5(BBS2):c.992C>G (p.Thr331Ser)

Gene: BBS2 (Bardet-Biedl syndrome 2; minus strand). Cytogenetic location: 16q13.
Variant type: single nucleotide variant.
Coding change: c.992C>G on transcript NM_031885.5 (MANE Select); coding-DNA position 992, C replaced by G.
Protein change: p.Thr331Ser; replaces threonine 331 with serine.
Molecular consequence: missense variant. On other transcripts: non-coding transcript variant (5).
Genome position (GRCh38, 1-based): chr16:56,502,405, G>C on the plus strand (C>G on the coding strand, the complement: BBS2 is on the minus strand). VCF-style: chr16-56502405-G-C. GRCh37 (hg19) VCF-style: chr16-56536317-G-C.
Other names: c.992C>G, p.Thr331Ser (NM_001377456.1); short protein forms T331S.
Identifiers: ClinVar variation 1413982 (VCV001413982.6), dbSNP rs2144148951, ClinGen allele CA395980677.

ClinVar aggregate classification (germline): Uncertain significance (1 of 4 stars; one submission).

Conditions:
Bardet-Biedl syndrome (BBS). Identifiers: Orphanet 110, MedGen C0752166, MONDO:0015229.

Submission:

Labcorp Genetics (formerly Invitae), Labcorp
Classification: Uncertain significance for Bardet-Biedl syndrome. Last evaluated: 2024-10-08. Review status: criteria provided, single submitter. Criteria: Invitae Variant Classification Sherloc (09022015). Collection method: clinical testing. Allele origin: germline.
Comment: This sequence change replaces threonine, which is neutral and polar, with serine, which is neutral and polar, at codon 331 of the BBS2 protein (p.Thr331Ser). This variant is not present in population databases (gnomAD no frequency). This variant has not been reported in the literature in individuals affected with BBS2-related conditions. ClinVar contains an entry for this variant (Variation ID: 1413982). Invitae Evidence Modeling of protein sequence and biophysical properties (such as structural, functional, and spatial information, amino acid conservation, physicochemical variation, residue mobility, and thermodynamic stability) indicates that this missense variant is not expected to disrupt BBS2 protein function with a negative predictive value of 80%. In summary, the available evidence is currently insufficient to determine the role of this variant in disease. Therefore, it has been classified as a Variant of Uncertain Significance.